The following is an entry in ClinVar:

NM_007294.4(BRCA1):c.5370_5397del (p.Val1791fs)

Gene: BRCA1 (BRCA1 DNA repair associated; minus strand). Cytogenetic location: 17q21.31.
Variant type: Deletion.
Coding change: c.5370_5397del on transcript NM_007294.4 (MANE Select); coding-DNA positions 5370 to 5397, 28 bases deleted (TGTGGTGAAGGAGCTTTCATCATTCACC).
Protein change: p.Val1791fs; shifts the reading frame from valine 1791.
Molecular consequence: frameshift variant. On other transcripts: non-coding transcript variant (1), intron variant (1).
Genome position (GRCh38, 1-based): chr17:43,049,130-43,049,157, GGTGAATGATGAAAGCTCCTTCACCACA deleted on the plus strand (TGTGGTGAAGGAGCTTTCATCATTCACC on the coding strand, the reverse complement: BRCA1 is on the minus strand); deleting any 28 consecutive bases within chr17:43,049,130-43,049,158 gives the same sequence; the c. name uses the placement nearest the transcript's 3' end. VCF-style (leftmost placement, unchanged base first): chr17-43049129-GGGTGAATGATGAAAGCTCCTTCACCACA-G. GRCh37 (hg19) VCF-style: chr17-41201146-GGGTGAATGATGAAAGCTCCTTCACCACA-G.
Other names: 5489del28; c.5370_5397delTGTGGTGAAGGAGCTTTCATCATTCACC (NM_007294.3); c.2126_2153del28, p.Val710Leufs (NM_001407970.1, NM_001407971.1); c.2123_2150del28, p.Val709Leufs (NM_001407972.1); c.2060_2087del28, p.Val688Leufs (NM_001407973.1, NM_001407974.1, NM_001407975.1 and 3 more transcripts); c.2057_2084del28, p.Val687Leufs (NM_001407979.1, NM_001407980.1, NM_001407981.1 and 11 more transcripts); c.2054_2081del28, p.Val686Leufs (NM_001408392.1, NM_001408396.1, NM_001408397.1 and 7 more transcripts); c.2051_2078del28, p.Val685Leufs (NM_001408406.1, NM_001408407.1, NM_001408408.1); and 77 more; short protein forms V1812fs, V1744fs, V1791fs, V687fs.
Identifiers: ClinVar variation 125833 (VCV000125833.3), dbSNP rs80359878, ClinGen allele CA003538.

ClinVar aggregate classification (germline): Pathogenic. Review status: reviewed by expert panel (3 of 4 stars). 2 submissions from 2 submitters: Pathogenic (1). 1 of the submissions does not count toward it. Last evaluated 2016-09-08.

Conditions:
Breast-ovarian cancer, familial, susceptibility to, 1 (BROVCA1). Also called: BRCA1 Hereditary Breast and Ovarian Cancer; OVARIAN CANCER, SUSCEPTIBILITY TO. Identifiers: Orphanet 145, MedGen C2676676, MONDO:0011450, OMIM 604370. Disease mechanism: loss of function.

Submissions (2):

Evidence-based Network for the Interpretation of Germline Mutant Alleles (ENIGMA)
Classification: Pathogenic for Breast-ovarian cancer, familial, susceptibility to, 1. Last evaluated: 2016-09-08. Review status: reviewed by expert panel. Criteria: ENIGMA BRCA1/2 Classification Criteria (2015). Collection method: curation. Allele origin: germline.
Comment: Variant allele predicted to encode a truncated non-functional protein.

Breast Cancer Information Core (BIC) (BRCA1)
Classification: Pathogenic for Breast-ovarian cancer, familial 1. Last evaluated: 1998-11-30. Review status: no assertion criteria provided. Collection method: clinical testing. Allele origin: germline. Affected: yes. Observed: 1 variant allele. Not counted in ClinVar's aggregate classification.